The following is an entry in ClinVar:

ClinVar aggregate classification (germline): Uncertain significance (1 of 4 stars; one submission).

gnomAD v4.1: 1 of 1,598,684 alleles (0.000063%); highest among the groups gnomAD compares: Non-Finnish European, 0.000086%; no homozygotes.

Submission:

Ambry Genetics
Classification: Uncertain significance. Last evaluated: 2024-12-16. Review status: criteria provided, single submitter. Criteria: Ambry Variant Classification Scheme 2023. Collection method: clinical testing. Allele origin: germline.
Comment: The p.S576C variant (also known as c.1727C>G), located in coding exon 8 of the ATRIP gene, results from a C to G substitution at nucleotide position 1727. The serine at codon 576 is replaced by cysteine, an amino acid with dissimilar properties. This amino acid position is conserved. In addition, this alteration is predicted to be tolerated by in silico analysis. Based on the available evidence, the clinical significance of this variant remains unclear.

NM_130384.3(ATRIP):c.1727C>G (p.Ser576Cys)

Genes: ATRIP (ATR interacting protein; plus strand), ATRIP-TREX1 (ATRIP-TREX1 readthrough; plus strand). Cytogenetic location: 3p21.31.
Variant type: single nucleotide variant.
Coding change: c.1727C>G on transcript NM_130384.3 (MANE Select); coding-DNA position 1727, C replaced by G.
Protein change: p.Ser576Cys; replaces serine 576 with cysteine.
Molecular consequence: missense variant. On other transcripts: non-coding transcript variant (1).
Genome position (GRCh38, 1-based): chr3:48,460,781, C>G. VCF-style: chr3-48460781-C-G. GRCh37 (hg19) VCF-style: chr3-48502180-C-G.
Other names: c.1346C>G, p.Ser449Cys (NM_001271022.2); c.1448C>G, p.Ser483Cys (NM_001271023.2); c.1727C>G, p.Ser576Cys (NM_032166.4); short protein forms S449C, S483C, S576C.
Identifiers: ClinVar variation 3809135 (VCV003809135.1).